The following is an entry in ClinVar:

NM_152617.4(RNF168):c.754_755delinsAG (p.Val252Arg)

Gene: RNF168 (ring finger protein 168; minus strand). Cytogenetic location: 3q29.
Variant type: Indel.
Coding change: c.754_755delinsAG on transcript NM_152617.4 (MANE Select); coding-DNA positions 754 to 755, GT replaced by AG.
Protein change: p.Val252Arg; replaces valine 252 with arginine.
Molecular consequence: missense variant.
Genome position (GRCh38, 1-based): chr3:196,475,238-196,475,239, AC replaced by CT on the plus strand (GT replaced by AG on the coding strand, the reverse complement: RNF168 is on the minus strand). VCF-style: chr3-196475238-AC-CT. GRCh37 (hg19) VCF-style: chr3-196202109-AC-CT.
Other names: short protein forms V252R.
Identifiers: ClinVar variation 1493346 (VCV001493346.6), dbSNP rs2108645253, ClinGen allele CA2573136880.

ClinVar aggregate classification (germline): Uncertain significance (1 of 4 stars; one submission).

Submission:

Labcorp Genetics (formerly Invitae), Labcorp
Classification: Uncertain significance. Last evaluated: 2020-10-25. Review status: criteria provided, single submitter. Criteria: Invitae Variant Classification Sherloc (09022015). Collection method: clinical testing. Allele origin: germline.
Comment: The frequency data for this variant in the population databases is not available, as this variant may be reported as separate entries in the ExAC database. This variant has not been reported in the literature in individuals with RNF168-related conditions. This sequence change replaces valine with arginine at codon 252 of the RNF168 protein (p.Val252Arg). The valine residue is weakly conserved and there is a moderate physicochemical difference between valine and arginine. Algorithms developed to predict the effect of missense changes on protein structure and function are either unavailable or do not agree on the potential impact of this missense change (SIFT: "Not Available"; PolyPhen-2: "Benign"; Align-GVGD: "Not Available"). In summary, the available evidence is currently insufficient to determine the role of this variant in disease. Therefore, it has been classified as a Variant of Uncertain Significance.